The following is an entry in ClinVar:

ClinVar aggregate classification (germline): Pathogenic. Review status: criteria provided, multiple submitters, no conflicts (2 of 4 stars). 21 submissions from 21 submitters: Pathogenic (16). 5 of the submissions do not count toward it. Last evaluated 2025-12-29.

Conditions:
Hb SS disease (SCD). Also called: Hemoglobin SS; Sickle cell anemia; Sickle cell disease; HbS disease; Hemoglobin S Disease; Sickling disorder due to hemoglobin S. Identifiers: Orphanet 232, Orphanet 275752, MedGen C0002895, MONDO:0011382, OMIM 603903.
Heinz body anemia. Also called: Heinz body hemolytic anemia. Identifiers: Orphanet 178330, MedGen C0700299, MONDO:0007705, OMIM 140700, HP:0005511.
Dominant beta-thalassemia. Also called: Beta-thalassemia, dominant inclusion body type. Identifiers: Orphanet 231226, Orphanet 848, MedGen C1858990, MONDO:0011381, OMIM 603902.
Beta-thalassemia HBB/LCRB. Identifiers: MedGen CN322236, MONDO:0013517, OMIM 613985.
Erythrocytosis, familial, 6. Also called: POLYCYTHEMIA, BETA-GLOBIN TYPE; ERYTHROCYTOSIS, BETA-GLOBIN TYPE. Identifiers: MedGen C4693822, MONDO:0054801, OMIM 617980.
METHEMOGLOBINEMIA, BETA TYPE. Also called: Methemoglobinemia, beta-globin type. Identifiers: MedGen C1840779, OMIM 617971.
Malaria, susceptibility to. Identifiers: Orphanet 673, MedGen C1970028, MONDO:0021024, OMIM 611162.
Hereditary persistence of fetal hemoglobin. Identifiers: MedGen C0019025, MONDO:0020989, OMIM 141749.
HBB-related disorder. Also called: HBB-related disorders; HBB-related condition. Identifiers: MedGen CN239378.
Beta-thalassemia major. Identifiers: Orphanet 231214, MedGen C0002875, MONDO:0016486.
beta Thalassemia (BTHAL). Also called: Cooley's anemia; Erythroblastic anemia; Mediterranean anemia. Identifiers: Orphanet 848, MedGen C0005283, MONDO:0019402. Disease mechanism: loss of function.

Allele frequency attached by ClinVar (database versions not stated): gnomAD 0.00002 and below 0.00001; ExAC 0.00009.
gnomAD v4.1: 68 of 1,612,732 alleles (0.0042%); highest among the groups gnomAD compares: South Asian, 0.066%; no homozygotes.

Submissions 1 to 10 of 21:

Center for Genomic Medicine, Rigshospitalet, Copenhagen University Hospital
Classification: Pathogenic. Last evaluated: 2025-12-29. Review status: criteria provided, single submitter. Criteria: ACMG Guidelines, 2015. Collection method: clinical testing. Allele origin: germline.

Natera, Inc.
Classification: Pathogenic for Beta thalassemia. Last evaluated: 2025-11-18. Review status: criteria provided, single submitter. Criteria: Natera Variant Classification Schema (03/2026). Collection method: clinical testing. Allele origin: germline.
Comment: The c.92G>C variant in HBB is a missense variant predicted to cause substitution of arginine to threonine at amino acid 31. This variant is rare in the general population with a frequency below the threshold expected for the associated phenotype(s). This variant has been observed in one or more individuals affected with the associated recessive disease, as either homozygous or compound heterozygous with a second variant (PMID: 34406845, 2539344). Given the available evidence, this variant is classified as Pathogenic.

ARUP Laboratories, Molecular Genetics and Genomics, ARUP Laboratories
Classification: Pathogenic. Last evaluated: 2025-07-22. Review status: criteria provided, single submitter. Criteria: ARUP Molecular Germline Variant Investigation Process 2024. Collection method: clinical testing. Allele origin: germline.
Comment: The Hb Monroe variant (HBB: c.92G>C; p.Arg31Thr, also known as Arg30Thr when numbered from the mature protein, rs33960103, HbVar ID: 290) has been reported in multiple patients diagnosed with beta(0) thalassemia (Vidaud 1989, HbVar database and references therein). Functional characterization of the variant indicates aberrant splicing of the beta globin RNA, resulting in severe reductions of full-length transcripts (Vidaud 1989, Agrawal 2007). This variant is found in the general population with an overall allele frequency of 0.01% (26/251362 alleles) in the Genome Aggregation Database. This variant is located adjacent to the exon-intron junction, and computational analyses predict that the variant affects the canonical splice donor (Alamut v.2.11). Based on available information, this variant is considered to be pathogenic. References: Link to HbVar database: Agrawal M et al. Missense mutation of the last nucleotide of exon 1 (G->C) of beta globin gene not only leads to undetectable mutant peptide and transcript but also interferes with the expression of wild allele. Haematologica. 2007 92(12):1715-6. PMID: 18056002. Vidaud M et al. A 5' splice-region G----C mutation in exon 1 of the human beta-globin gene inhibits pre-mRNA splicing: a mechanism for beta+-thalassemia. Proc Natl Acad Sci U S A. 1989 86(3):1041-5. PMID: 2915972.

GeneDx
Classification: Pathogenic. Last evaluated: 2025-04-14. Review status: criteria provided, single submitter. Criteria: GeneDx Variant Classification Process June 2021. Collection method: clinical testing. Allele origin: germline. Affected: yes.
Comment: Observed in the compound heterozygous and homozygous states in unrelated individuals with beta thalassemia in the published literature (PMID: 12210807, 27263053, 2915972); In vitro splicing analysis demonstrates c.92G>C results in a splicing defect that is out-of-frame, affecting the majority of the transcript (PMID: 2915972); This variant is associated with the following publications: (PMID: 3422218, 1917531, 7505125, 19843386, 27828729, 25677748, 21931510, 19429541, 25525159, 2915972, 8330981, 1802886, 9140720, 2539344, 12488606, 1986379, 2753736, 27263053, 31553106, 15278762, 15257926, 20437613, 18294253, 18056002, 34272389, 31589614, 31890591, 33947296, 38577149, 38523675, 12210807)

Women's Health and Genetics/Laboratory Corporation of America, LabCorp
Classification: Pathogenic for beta Thalassemia. Last evaluated: 2025-03-04. Review status: criteria provided, single submitter. Criteria: LabCorp Variant Classification Summary - May 2015. Collection method: clinical testing. Allele origin: germline.
Comment: Variant summary: HBB c.92G>C (p.Arg31Thr) results in a non-conservative amino acid change in the encoded protein sequence. Three of three in-silico tools predict a damaging effect of the variant on protein function. At least one publication reports experimental evidence that this variant affects mRNA splicing. The variant allele was found at a frequency of 0.0001 in 251362 control chromosomes. This frequency is not significantly higher than estimated for a pathogenic variant in HBB causing Beta Thalassemia (0.0001 vs 0.011), allowing no conclusion about variant significance. c.92G>C has been reported in the literature in multiple individuals affected with Beta Thalassemia. These data indicate that the variant is very likely to be associated with disease. At least one publication reports experimental evidence evaluating an impact on protein function. The most pronounced variant effect results in <10% of normal activity. ClinVar contains an entry for this variant (Variation ID: 15234). Based on the evidence outlined above, the variant was classified as pathogenic.

3billion
Classification: Pathogenic for Hb SS disease. Last evaluated: 2024-12-16. Review status: criteria provided, single submitter. Criteria: ACMG Guidelines, 2015. Collection method: clinical testing. Allele origin: germline. Affected: yes.
Comment: The variant is observed at an extremely low frequency in the gnomAD v4.1.0 dataset (total allele frequency: 0.004%). Predicted Consequence/Location: Missense variant In silico tool predictions suggest damaging effect of the variant on gene or gene product [REVEL: 0.94 (>=0.6, sensitivity 0.68 and specificity 0.92); 3Cnet: 0.96 (>=0.6, sensitivity 0.72 and precision 0.9)]. The same nucleotide change resulting in the same amino acid change has been previously reported as pathogenic/likely pathogenic with strong evidence (ClinVar ID: VCV000015234 /PMID: 2915972). The variant is in trans with the other variant. Different missense changes at the same codon (p.Arg31Gly, p.Arg31Lys, p.Arg31Ser) have been reported as pathogenic/likely pathogenic with strong evidence (ClinVar ID: VCV000015368, VCV000036337, VCV000869243, VCV000869321 /PMID: 11939519, 8226093, 9140720, 9494053). Therefore, this variant is classified as Pathogenic according to the recommendation of ACMG/AMP guideline.

Fulgent Genetics
Classification: Pathogenic for Heinz body anemia; Hereditary persistence of fetal hemoglobin; Dominant beta-thalassemia; Hb SS disease; Malaria, susceptibility to; Beta-thalassemia HBB/LCRB; METHEMOGLOBINEMIA, BETA TYPE; Erythrocytosis, familial, 6. Last evaluated: 2024-04-03. Review status: criteria provided, single submitter. Criteria: ACMG Guidelines, 2015. Collection method: clinical testing. Allele origin: germline.

Labcorp Genetics (formerly Invitae), Labcorp
Classification: Pathogenic. Last evaluated: 2024-01-07. Review status: criteria provided, single submitter. Criteria: Invitae Variant Classification Sherloc (09022015). Collection method: clinical testing. Allele origin: germline.
Comment: This sequence change replaces arginine, which is basic and polar, with threonine, which is neutral and polar, at codon 31 of the HBB protein (p.Arg31Thr). This variant is present in population databases (rs33960103, gnomAD 0.08%). This missense change has been observed in individuals with autosomal recessive beta thalassemia (PMID: 27828729). This variant is also known as p.Arg30Thr and Hb Monroe. ClinVar contains an entry for this variant (Variation ID: 15234). An algorithm developed to predict the effect of missense changes on protein structure and function (PolyPhen-2) suggests that this variant is likely to be disruptive. Experimental studies have shown that this missense change affects HBB function (PMID: 2915972, 18056002). Algorithms developed to predict the effect of sequence changes on RNA splicing suggest that this variant may disrupt the consensus splice site. For these reasons, this variant has been classified as Pathogenic.

Molecular Genetics Laboratory, BC Children's and BC Women's Hospitals
Classification: Pathogenic for beta Thalassemia. Last evaluated: 2023-09-12. Review status: criteria provided, single submitter. Criteria: ACMG Guidelines, 2015. Collection method: clinical testing. Allele origin: germline. Affected: yes.

Genetics and Genomic Medicine Centre, NeuroGen Healthcare, NeuroGen Healthcare
Classification: Pathogenic for Beta-thalassemia HBB/LCRB. Last evaluated: 2021-12-11. Review status: criteria provided, single submitter. Criteria: Submitter's publication. Collection method: clinical testing. Allele origin: unknown. Affected: no.

NM_000518.4(HBB):c.92G>C (p.Arg31Thr)

Genes: HBB (hemoglobin subunit beta; minus strand), LOC106099062 (HBB recombination region; plus strand), LOC107133510 (origin of replication at HBB; plus strand). Cytogenetic location: 11p15.4.
Variant type: single nucleotide variant.
Coding change: c.92G>C on transcript NM_000518.4; coding-DNA position 92, G replaced by C.
Protein change: p.Arg31Thr; replaces arginine 31 with threonine.
Molecular consequence: missense variant (on NM_000518.5).
Genome position (GRCh38, 1-based): chr11:5,226,930, C>G on the plus strand (G>C on the coding strand, the complement: HBB is on the minus strand). VCF-style: chr11-5226930-C-G. GRCh37 (hg19) VCF-style: chr11-5248160-C-G.
Other names: R30T; Hb Kairouan; CD 30 (G>C) or IVS I (-1) AGG>ACG (Arg>Thr); c.92G>C, p.Arg31Thr (NM_000518.5); short protein forms R31T.
Identifiers: ClinVar variation 15234 (VCV000015234.124), dbSNP rs33960103, ClinGen allele CA213890.